The following is an entry in ClinVar:

ClinVar aggregate classification (germline): Likely pathogenic (1 of 4 stars; one submission).

Submission:

Labcorp Genetics (formerly Invitae), Labcorp
Classification: Likely pathogenic. Last evaluated: 2021-11-09. Review status: criteria provided, single submitter. Criteria: Invitae Variant Classification Sherloc (09022015). Collection method: clinical testing. Allele origin: germline.
Comment: In summary, the currently available evidence indicates that the variant is pathogenic, but additional data are needed to prove that conclusively. Therefore, this variant has been classified as Likely Pathogenic. This variant has not been reported in the literature in individuals affected with USH2A-related conditions. This variant results in a copy number gain of the genomic region encompassing exon(s) 10-37 of the USH2A gene. While the exact position of this variant cannot be determined from the data, sub-genic copy number gains are generally in tandem (PMID: 25640679). This variant is predicted to be out-of-frame, and may result in an absent or disrupted protein product. Loss-of-function variants in USH2A are known to be pathogenic (PMID: 10729113, 10909849, 20507924, 25649381).

Literature cited by the submitters: PubMed 25640679; PubMed 10729113; PubMed 10909849; PubMed 20507924; PubMed 25649381.

NC_000001.10:g.(?_216138649)_(216465722_?)dup

Gene: USH2A (usherin; minus strand). Cytogenetic location: 1q41.
Variant type: Duplication.
Identifiers: ClinVar variation 2427753 (VCV002427753.4).